The following is an entry in ClinVar:

ClinVar aggregate classification (germline): Uncertain significance. Review status: criteria provided, single submitter (1 of 4 stars). 2 submissions from 2 submitters: Uncertain significance (1). 1 of the submissions does not count toward it. Last evaluated 2024-12-12.

Conditions:
MYH11-related disorder. Also called: MYH11-related condition.
Aortic aneurysm, familial thoracic 4 (AAT4). Also called: AORTIC ANEURYSM/AORTIC DISSECTION AND PATENT DUCTUS ARTERIOSUS. Identifiers: MedGen C1851504, MONDO:0007568, OMIM 132900.

Allele frequency attached by ClinVar (database versions not stated): gnomAD 0.00002; TOPMed 0.00002; gnomAD exomes 0.00003.

Submissions (2):

Labcorp Genetics (formerly Invitae), Labcorp
Classification: Uncertain significance for Aortic aneurysm, familial thoracic 4. Last evaluated: 2024-12-12. Review status: criteria provided, single submitter. Criteria: Invitae Variant Classification Sherloc (09022015). Collection method: clinical testing. Allele origin: germline.
Comment: This sequence change falls in intron 19 of the MYH11 gene. It does not directly change the encoded amino acid sequence of the MYH11 protein. It affects a nucleotide within the consensus splice site. This variant is present in population databases (no rsID available, gnomAD 0.01%). This variant has been observed in individual(s) with clinical features of autosomal dominant MYH11-related conditions (internal data). ClinVar contains an entry for this variant (Variation ID: 576938). Variants that disrupt the consensus splice site are a relatively common cause of aberrant splicing (PMID: 17576681, 9536098). Algorithms developed to predict the effect of sequence changes on RNA splicing suggest that this variant is not likely to affect RNA splicing. In summary, the available evidence is currently insufficient to determine the role of this variant in disease. Therefore, it has been classified as a Variant of Uncertain Significance.

PreventionGenetics, part of Exact Sciences
Classification: Likely benign for MYH11-related condition. Last evaluated: 2022-09-08. Review status: no assertion criteria provided. Collection method: clinical testing. Allele origin: germline. Not counted in ClinVar's aggregate classification.
Comment: This variant is classified as likely benign based on ACMG/AMP sequence variant interpretation guidelines (Richards et al. 2015 PMID: 25741868, with internal and published modifications).

Literature cited by the submitters: PubMed 17576681 (cited by Labcorp Genetics (formerly Invitae), Labcorp); PubMed 9536098 (cited by Labcorp Genetics (formerly Invitae), Labcorp).

NM_002474.3(MYH11):c.2250+3G>A

Gene: MYH11 (myosin heavy chain 11; minus strand). Cytogenetic location: 16p13.11.
Variant type: single nucleotide variant.
Coding change: c.2250+3G>A on transcript NM_002474.3 (MANE Select); 3 bases into the intron after coding-DNA position 2250, G replaced by A.
Molecular consequence: intron variant.
Genome position (GRCh38, 1-based): chr16:15,747,871, C>T on the plus strand (G>A on the coding strand, the complement: MYH11 is on the minus strand). VCF-style: chr16-15747871-C-T. GRCh37 (hg19) VCF-style: chr16-15841728-C-T.
Other names: c.2250+3G>A (NM_022844.3); c.2271+3G>A (NM_001040114.2, NM_001040113.2).
Identifiers: ClinVar variation 576938 (VCV000576938.7), dbSNP rs1358873662, ClinGen allele CA621181374.